The following is an entry in ClinVar:

ClinVar aggregate classification (germline): Uncertain significance (1 of 4 stars; one submission).

Conditions:
Congenital myasthenic syndrome 15. Also called: Myasthenic syndrome, congenital, 15, without tubular aggregates. Identifiers: Orphanet 353327, Orphanet 590, MedGen C4015596, MONDO:0014542, OMIM 616227.

Allele frequency attached by ClinVar (database versions not stated): gnomAD exomes below 0.00001.

Submission:

Labcorp Genetics (formerly Invitae), Labcorp
Classification: Uncertain significance for Congenital myasthenic syndrome 15. Last evaluated: 2022-06-05. Review status: criteria provided, single submitter. Criteria: Invitae Variant Classification Sherloc (09022015). Collection method: clinical testing. Allele origin: germline.
Comment: In summary, the available evidence is currently insufficient to determine the role of this variant in disease. Therefore, it has been classified as a Variant of Uncertain Significance. Algorithms developed to predict the effect of missense changes on protein structure and function (SIFT, PolyPhen-2, Align-GVGD) all suggest that this variant is likely to be tolerated. This variant has not been reported in the literature in individuals affected with ALG14-related conditions. This variant is not present in population databases (gnomAD no frequency). This sequence change replaces histidine, which is basic and polar, with tyrosine, which is neutral and polar, at codon 67 of the ALG14 protein (p.His67Tyr).

NM_144988.4(ALG14):c.199C>T (p.His67Tyr)

Genes: ALG14 (ALG14 UDP-N-acetylglucosaminyltransferase subunit; minus strand), ALG14-AS1 (ALG14 antisense RNA 1; plus strand). Cytogenetic location: 1p21.3.
Variant type: single nucleotide variant.
Coding change: c.199C>T on transcript NM_144988.4 (MANE Select); coding-DNA position 199, C replaced by T.
Protein change: p.His67Tyr; replaces histidine 67 with tyrosine.
Molecular consequence: missense variant.
Genome position (GRCh38, 1-based): chr1:95,064,955, G>A on the plus strand (C>T on the coding strand, the complement: ALG14 is on the minus strand). VCF-style: chr1-95064955-G-A. GRCh37 (hg19) VCF-style: chr1-95530511-G-A.
Other names: c.199C>T, p.His67Tyr (NM_001305242.2); short protein forms H67Y.
Identifiers: ClinVar variation 2180532 (VCV002180532.4), dbSNP rs1557657770, ClinGen allele CA341366844.